The following is an entry in ClinVar:

ClinVar aggregate classification (germline): Uncertain significance (1 of 4 stars; one submission).

Conditions:
Charcot-Marie-Tooth disease type 2B (CMT2B). Also called: Charcot-Marie-Tooth Neuropathy Type 2B; CHARCOT-MARIE-TOOTH DISEASE, AXONAL, TYPE 2B; CHARCOT-MARIE-TOOTH DISEASE, AUTOSOMAL DOMINANT, TYPE 2B; HEREDITARY MOTOR AND SENSORY NEUROPATHY IIB. Identifiers: Orphanet 99936, MedGen C1833219, MONDO:0010949, OMIM 600882.

Submission:

Labcorp Genetics (formerly Invitae), Labcorp
Classification: Uncertain significance for Charcot-Marie-Tooth disease type 2B. Last evaluated: 2023-01-04. Review status: criteria provided, single submitter. Criteria: Invitae Variant Classification Sherloc (09022015). Collection method: clinical testing. Allele origin: germline.
Comment: This sequence change replaces aspartic acid, which is acidic and polar, with glycine, which is neutral and non-polar, at codon 104 of the RAB7A protein (p.Asp104Gly). This variant is not present in population databases (gnomAD no frequency). This variant has not been reported in the literature in individuals affected with RAB7A-related conditions. Algorithms developed to predict the effect of missense changes on protein structure and function (SIFT, PolyPhen-2, Align-GVGD) all suggest that this variant is likely to be disruptive. Algorithms developed to predict the effect of sequence changes on RNA splicing suggest that this variant may create or strengthen a splice site. In summary, the available evidence is currently insufficient to determine the role of this variant in disease. Therefore, it has been classified as a Variant of Uncertain Significance.

NM_004637.6(RAB7A):c.311A>G (p.Asp104Gly)

Gene: RAB7A (RAB7A, member RAS oncogene family; plus strand). Cytogenetic location: 3q21.3.
Variant type: single nucleotide variant.
Coding change: c.311A>G on transcript NM_004637.6 (MANE Select); coding-DNA position 311, A replaced by G.
Protein change: p.Asp104Gly; replaces aspartic acid 104 with glycine.
Molecular consequence: missense variant.
Genome position (GRCh38, 1-based): chr3:128,806,502, A>G. VCF-style: chr3-128806502-A-G. GRCh37 (hg19) VCF-style: chr3-128525345-A-G.
Other names: short protein forms D104G.
Identifiers: ClinVar variation 2825934 (VCV002825934.3), dbSNP rs2529138401, ClinGen allele CA354708863.
Genomic context (GRCh38, chr3:128,806,502, plus strand): 5'-GCGTTCTGGTATTTGATGTGACTGCCCCCAACACATTCAAAACCCTAGATAGCTGGAGAG[A>G]TGAGTTTCTCATCCAGGCCAGTCCCCGAGATCCTGAAAACTTCCCATTTGTTGTGTTGGG-3'
Protein context (NP_004628.4, residues 94-114): NTFKTLDSWR[Asp104Gly]EFLIQASPRD